The following is an entry in ClinVar:

ClinVar aggregate classification (germline): Benign. Review status: criteria provided, multiple submitters, no conflicts (2 of 4 stars). 3 submissions from 3 submitters: Benign (2). 1 of the submissions does not count toward it. Last evaluated 2026-02-03.

Allele frequency attached by ClinVar (database versions not stated): gnomAD exomes 0.00366; ExAC 0.00464; 1000 Genomes Project 0.00679; 1000 Genomes Project 30x 0.00718; gnomAD 0.00733 and 0.00758; TOPMed 0.00804; ESP Exome Variant Server 0.00823.
gnomAD v4.1: 5,176 of 1,609,906 alleles (0.32%); highest among the groups gnomAD compares: African/African-American, 2.1%; 36 homozygotes.

Submissions (3):

Labcorp Genetics (formerly Invitae), Labcorp
Classification: Benign. Last evaluated: 2026-02-03. Review status: criteria provided, single submitter. Criteria: Invitae Variant Classification Sherloc (09022015). Collection method: clinical testing. Allele origin: germline.

Breakthrough Genomics
Classification: Benign. Review status: criteria provided, single submitter. Criteria: ACMG Guidelines, 2015. Collection method: not provided. Allele origin: germline. Inheritance: Autosomal recessive inheritance. Affected: yes.

Genetic Services Laboratory, University of Chicago
Classification: Likely benign for AllHighlyPenetrant. Review status: no assertion criteria provided. Collection method: clinical testing. Allele origin: germline. Inheritance: Autosomal recessive inheritance. Not counted in ClinVar's aggregate classification.
Comment: Likely benign based on allele frequency in 1000 Genomes Project or ESP global frequency and its presence in a patient with a rare or unrelated disease phenotype. NOT Sanger confirmed.

NM_020921.4(NIN):c.5903C>T (p.Thr1968Met)

Gene: NIN (ninein; minus strand). Cytogenetic location: 14q22.1.
Variant type: single nucleotide variant.
Coding change: c.5903C>T on transcript NM_020921.4 (MANE Select); coding-DNA position 5903, C replaced by T.
Protein change: p.Thr1968Met; replaces threonine 1968 with methionine.
Molecular consequence: missense variant.
Genome position (GRCh38, 1-based): chr14:50,729,698, G>A on the plus strand (C>T on the coding strand, the complement: NIN is on the minus strand). VCF-style: chr14-50729698-G-A. GRCh37 (hg19) VCF-style: chr14-51196416-G-A.
Other names: c.3764C>T, p.Thr1255Met (NM_016350.5); c.5903C>T, p.Thr1968Met (NM_182944.3, NM_182946.2); short protein forms T1968M, T1255M.
Identifiers: ClinVar variation 129799 (VCV000129799.16), dbSNP rs61744312, ClinGen allele CA154112.